The following is an entry in ClinVar:

ClinVar aggregate classification (germline): not provided (0 of 4 stars; one submission).

Conditions:
Preeclampsia. Identifiers: Orphanet 275555, MedGen C0032914, MONDO:0005081, HP:0100602.

Submission:

Institute of Molecular and Cell Biology, University of Tartu
No classification provided. Condition: Preeclampsia. Review status: no classification provided. Collection method: case-control. Allele origin: unknown. Affected: yes. Study: Kasak2014.
Comment: The study aimed to determine the contribution of copy number variants in the genetic etiology of normal and complicated pregnancies. The samples represented (i) maternal blood DNA drawn from healthy pregnant women during 1st or 2nd trimester and (ii) maternal and paternal blood DNA drawn at term pregnancy cases representing normal and complicated gestations (severe preeclampsia, PE; gestational diabetes, GD; small-for-gestational age newborn, SGA; large-for-gestational age newborn, LGA). We performed CNV calling based on genome-wide genotyping dataset (Illumina HumanOmniExpress-24-v1 BeadChip) by applying three algorithms, QuantiSNP, GADA (Genome Alteration Detection Algorithm) and CNstream in parallel. The acquired CNV calls were merged with HD-CNV (Hotspot Detector for Copy Number Variants) program and only the CNVs predicted by at least two programs, were considered in subsequent analysis.

Literature cited by the submitters: PubMed 25666259.

NC_000020.11:g.7977119_7981425dup

Variant type: Duplication.
Genome position: GRCh38: chr20:7,977,119-7,981,425. GRCh37 (hg19): chr20:7,957,766-7,962,072.
Identifiers: ClinVar variation 157459 (VCV000157459.2), ClinGen allele CA10575667.